The following is an entry in ClinVar:

NM_003640.5(ELP1):c.2958+1del

Gene: ELP1 (elongator acetyltransferase complex subunit 1; minus strand). Cytogenetic location: 9q31.3.
Variant type: Deletion.
Coding change: c.2958+1del on transcript NM_003640.5 (MANE Select); the canonical splice donor site of the intron after coding-DNA position 2958, one base deleted (G; older notation c.2958+1delG).
Molecular consequence: splice donor variant.
Genome position (GRCh38, 1-based): chr9:108,892,985, C deleted on the plus strand (G on the coding strand, the reverse complement: ELP1 is on the minus strand); the first of 2 consecutive C bases (chr9:108,892,985-108,892,986); deleting either gives the same sequence. VCF-style (leftmost placement, unchanged base first): chr9-108892984-AC-A. GRCh37 (hg19) VCF-style: chr9-111655264-AC-A.
Other names: c.2958+1delG (NM_003640.4); c.2616+1del (NM_001318360.2); c.1911+1del (NM_001330749.2).
Identifiers: ClinVar variation 3596239 (VCV003596239.2).

ClinVar aggregate classification (germline): Likely pathogenic. Review status: criteria provided, multiple submitters, no conflicts (2 of 4 stars). 2 submissions from 2 submitters: Likely pathogenic (2). Last evaluated 2025-03-31.

Conditions:
Familial dysautonomia. Also called: FD; HSAN III. Identifiers: Orphanet 1764, MedGen C0013364, MONDO:0009131, OMIM 223900. Disease mechanism: loss of function.
Medulloblastoma (MDB). Also called: Medulloblastoma, somatic; MEDULLOBLASTOMA PREDISPOSITION SYNDROME. Identifiers: Orphanet 616, MedGen C0025149, MeSH D008527, MONDO:0007959, OMIM 155255, HP:0002885.

Submissions (2):

Natera, Inc.
Classification: Likely pathogenic for Familial dysautonomia. Last evaluated: 2025-03-31. Review status: criteria provided, single submitter. Criteria: Natera Variant Classification Schema (03/2026). Collection method: clinical testing. Allele origin: germline.
Comment: The c.2958+1delG variant in ELP1 is a canonical splice donor site variant predicted to affect pre-mRNA splicing, which may result in an abnormal transcript and altered protein product. This variant is expected to result in nonsense mediated decay, truncation, or a dysfunctional protein product. This variant is rare in the general population with a frequency below the threshold expected for the associated phenotype(s). Given the available evidence, this variant is classified as Likely Pathogenic.

Fulgent Genetics
Classification: Likely pathogenic for Medulloblastoma; Familial dysautonomia. Last evaluated: 2024-04-27. Review status: criteria provided, single submitter. Criteria: ACMG Guidelines, 2015. Collection method: clinical testing. Allele origin: germline.